The following is an entry in ClinVar:

ClinVar aggregate classification (germline): Uncertain significance (1 of 4 stars; one submission).

Conditions:
Dilated cardiomyopathy 1KK (CMD1KK). Identifiers: Orphanet 154, Orphanet 75249, MedGen C3714995, MONDO:0014100, OMIM 615248.

Allele frequency attached by ClinVar (database versions not stated): TOPMed below 0.00001.

Submission:

Labcorp Genetics (formerly Invitae), Labcorp
Classification: Uncertain significance for Dilated cardiomyopathy 1KK. Last evaluated: 2022-05-25. Review status: criteria provided, single submitter. Criteria: Invitae Variant Classification Sherloc (09022015). Collection method: clinical testing. Allele origin: germline.
Comment: Algorithms developed to predict the effect of missense changes on protein structure and function are either unavailable or do not agree on the potential impact of this missense change (SIFT: "Tolerated"; PolyPhen-2: "Probably Damaging"; Align-GVGD: "Class C0"). In summary, the available evidence is currently insufficient to determine the role of this variant in disease. Therefore, it has been classified as a Variant of Uncertain Significance. This sequence change replaces phenylalanine, which is neutral and non-polar, with valine, which is neutral and non-polar, at codon 481 of the MYPN protein (p.Phe481Val). This variant is not present in population databases (gnomAD no frequency). This variant has not been reported in the literature in individuals affected with MYPN-related conditions.

NM_032578.4(MYPN):c.1441T>G (p.Phe481Val)

Gene: MYPN (myopalladin; plus strand). Cytogenetic location: 10q21.3.
Variant type: single nucleotide variant.
Coding change: c.1441T>G on transcript NM_032578.4 (MANE Select); coding-DNA position 1441, T replaced by G.
Protein change: p.Phe481Val; replaces phenylalanine 481 with valine.
Molecular consequence: missense variant. On other transcripts: non-coding transcript variant (2).
Genome position (GRCh38, 1-based): chr10:68,158,609, T>G. VCF-style: chr10-68158609-T-G. GRCh37 (hg19) VCF-style: chr10-69918366-T-G.
Other names: c.1441T>G, p.Phe481Val (NM_001256267.2); c.559T>G, p.Phe187Val (NM_001256268.2); short protein forms F187V, F481V.
Identifiers: ClinVar variation 1899456 (VCV001899456.5), dbSNP rs2042921811, ClinGen allele CA376834982.